The following is an entry in ClinVar:

NM_022114.4(PRDM16):c.2692-274G>C

Gene: PRDM16 (PR/SET domain 16; plus strand). Cytogenetic location: 1p36.32.
Variant type: single nucleotide variant.
Coding change: c.2692-274G>C on transcript NM_022114.4 (MANE Select); 274 bases into the intron before coding-DNA position 2692, G replaced by C.
Molecular consequence: intron variant.
Genome position (GRCh38, 1-based): chr1:3,417,554, G>C. VCF-style: chr1-3417554-G-C. GRCh37 (hg19) VCF-style: chr1-3334118-G-C.
Other names: c.2692-274G>C (NM_199454.3).
Identifiers: ClinVar variation 673369 (VCV000673369.1), dbSNP rs144839875, ClinGen allele CA16974012.
Genomic context (GRCh38, chr1:3,417,554, plus strand): 5'-AAGGGGTAATCATAAACATCAGCTACCTGTATCACTCAGGTCCCGCCCAAACCGGGCAGT[G>C]AGGCTGGTTGCTAAAGATCAGTTTCAGCTCCTGCAGGAAAGACCTTAAACTACAAACGAG-3'

ClinVar aggregate classification (germline): Likely benign (1 of 4 stars; one submission).

Allele frequency attached by ClinVar (database versions not stated): 1000 Genomes Project 30x 0.00625; 1000 Genomes Project 0.00639; gnomAD 0.00980 and 0.00995; TOPMed 0.01000.
gnomAD v4.1: 1,485 of 152,326 alleles (0.97%); highest among the groups gnomAD compares: Middle Eastern, 1.7%; 7 homozygotes.

Submission:

GeneDx
Classification: Likely benign. Last evaluated: 2018-06-16. Review status: criteria provided, single submitter. Criteria: GeneDx Variant Classification (06012015). Collection method: clinical testing. Allele origin: germline. Affected: yes.
Comment: This variant is considered likely benign or benign based on one or more of the following criteria: it is a conservative change, it occurs at a poorly conserved position in the protein, it is predicted to be benign by multiple in silico algorithms, and/or has population frequency not consistent with disease.